The following is an entry in ClinVar:

ClinVar aggregate classification (germline): Uncertain significance. Review status: criteria provided, multiple submitters, no conflicts (2 of 4 stars). 2 submissions from 2 submitters: Uncertain significance (2). Last evaluated 2023-01-22.

Allele frequency attached by ClinVar (database versions not stated): ExAC 0.00001; TOPMed 0.00001; gnomAD exomes 0.00002 and below 0.00001.
gnomAD v4.1: 6 of 1,614,196 alleles (0.00037%); highest among the groups gnomAD compares: Admixed American, 0.0067%; no homozygotes.

Submissions (2):

Labcorp Genetics (formerly Invitae), Labcorp
Classification: Uncertain significance. Last evaluated: 2023-01-22. Review status: criteria provided, single submitter. Criteria: Invitae Variant Classification Sherloc (09022015). Collection method: clinical testing. Allele origin: germline.
Comment: In summary, the available evidence is currently insufficient to determine the role of this variant in disease. Therefore, it has been classified as a Variant of Uncertain Significance. Advanced modeling of protein sequence and biophysical properties (such as structural, functional, and spatial information, amino acid conservation, physicochemical variation, residue mobility, and thermodynamic stability) performed at Invitae indicates that this missense variant is expected to disrupt SPTBN2 protein function. ClinVar contains an entry for this variant (Variation ID: 1304655). This variant has not been reported in the literature in individuals affected with SPTBN2-related conditions. This variant is present in population databases (rs748088213, gnomAD 0.01%). This sequence change replaces tyrosine, which is neutral and polar, with cysteine, which is neutral and slightly polar, at codon 235 of the SPTBN2 protein (p.Tyr235Cys).

GeneDx
Classification: Uncertain significance. Last evaluated: 2021-01-12. Review status: criteria provided, single submitter. Criteria: GeneDx Variant Classification Process June 2021. Collection method: clinical testing. Allele origin: germline. Affected: yes.
Comment: In silico analysis supports that this missense variant has a deleterious effect on protein structure/function; Has not been previously published as pathogenic or benign to our knowledge

NM_006946.4(SPTBN2):c.704A>G (p.Tyr235Cys)

Gene: SPTBN2 (spectrin beta, non-erythrocytic 2; minus strand). Cytogenetic location: 11q13.2.
Variant type: single nucleotide variant.
Coding change: c.704A>G on transcript NM_006946.4 (MANE Select); coding-DNA position 704, A replaced by G.
Protein change: p.Tyr235Cys; replaces tyrosine 235 with cysteine.
Molecular consequence: missense variant.
Genome position (GRCh38, 1-based): chr11:66,713,699, T>C on the plus strand (A>G on the coding strand, the complement: SPTBN2 is on the minus strand). VCF-style: chr11-66713699-T-C. GRCh37 (hg19) VCF-style: chr11-66481170-T-C.
Other names: short protein forms Y235C.
Identifiers: ClinVar variation 1304655 (VCV001304655.5), dbSNP rs748088213, ClinGen allele CA6129592.